The following is an entry in ClinVar:

NM_003659.4(AGPS):c.404C>T (p.Thr135Ile)

Gene: AGPS (alkylglycerone phosphate synthase; plus strand). Cytogenetic location: 2q31.2.
Variant type: single nucleotide variant.
Coding change: c.404C>T on transcript NM_003659.4 (MANE Select); coding-DNA position 404, C replaced by T.
Protein change: p.Thr135Ile; replaces threonine 135 with isoleucine.
Molecular consequence: missense variant.
Genome position (GRCh38, 1-based): chr2:177,434,380, C>T. VCF-style: chr2-177434380-C-T. GRCh37 (hg19) VCF-style: chr2-178299108-C-T.
Other names: short protein forms T135I.
Identifiers: ClinVar variation 1445135 (VCV001445135.5), dbSNP rs920285676, ClinGen allele CA61416054.

ClinVar aggregate classification (germline): Uncertain significance (1 of 4 stars; one submission).

Allele frequency attached by ClinVar (database versions not stated): gnomAD exomes below 0.00001; gnomAD 0.00001; TOPMed 0.00003.
gnomAD v4.1: 6 of 1,612,832 alleles (0.00037%); highest among the groups gnomAD compares: African/African-American, 0.008%; no homozygotes.

Submission:

Labcorp Genetics (formerly Invitae), Labcorp
Classification: Uncertain significance. Last evaluated: 2021-09-01. Review status: criteria provided, single submitter. Criteria: Invitae Variant Classification Sherloc (09022015). Collection method: clinical testing. Allele origin: germline.
Comment: This sequence change replaces threonine with isoleucine at codon 135 of the AGPS protein (p.Thr135Ile). The threonine residue is moderately conserved and there is a moderate physicochemical difference between threonine and isoleucine. This variant is not present in population databases (ExAC no frequency). This variant has not been reported in the literature in individuals affected with AGPS-related conditions. Algorithms developed to predict the effect of missense changes on protein structure and function output the following: SIFT: "Tolerated"; PolyPhen-2: "Benign"; Align-GVGD: "Class C0". The isoleucine amino acid residue is found in multiple mammalian species, which suggests that this missense change does not adversely affect protein function. In summary, the available evidence is currently insufficient to determine the role of this variant in disease. Therefore, it has been classified as a Variant of Uncertain Significance.